The following is an entry in ClinVar:

ClinVar aggregate classification (germline): Uncertain significance (1 of 4 stars; one submission).

Conditions:
Familial meningioma. Also called: Meningioma, familial, susceptibility to. Identifiers: Orphanet 263662, MedGen C3551915, MONDO:0011789, OMIM 607174.
Coffin-Siris syndrome 5 (CSS5). Identifiers: Orphanet 1465, MedGen C4310788, MONDO:0014838, OMIM 616938.

Submission:

Juno Genomics, Hangzhou Juno Genomics, Inc
Classification: Uncertain significance for Familial meningioma; Coffin-Siris syndrome 5. Review status: criteria provided, single submitter. Criteria: ACMG Guidelines, 2015. Collection method: clinical testing. Allele origin: germline.
Comment: Absent from controls (or at extremely low frequency if recessive) in Genome Aggregation Database.;Multiple lines of computational evidence support a deleterious effect on the gene or gene product.

NM_003079.5(SMARCE1):c.542-28G>C

Gene: SMARCE1 (SWI/SNF related BAF chromatin remodeling complex subunit E1; minus strand). Cytogenetic location: 17q21.2.
Variant type: single nucleotide variant.
Coding change: c.542-28G>C on transcript NM_003079.5 (MANE Select); 28 bases into the intron before coding-DNA position 542, G replaced by C.
Molecular consequence: intron variant.
Genome position (GRCh38, 1-based): chr17:40,632,395, C>G on the plus strand (G>C on the coding strand, the complement: SMARCE1 is on the minus strand). VCF-style: chr17-40632395-C-G. GRCh37 (hg19) VCF-style: chr17-38788647-C-G.
Identifiers: ClinVar variation 5005748 (VCV005005748.2).